The following is an entry in ClinVar:

ClinVar aggregate classification (germline): Likely benign (0 of 4 stars; one submission).

Conditions:
CX3CR1-related disorder. Also called: CX3CR1-related condition.

Allele frequency attached by ClinVar (database versions not stated): gnomAD 0.00005; TOPMed 0.00004; gnomAD exomes 0.00005; ExAC 0.00008.
gnomAD v4.1: 77 of 1,598,854 alleles (0.0048%); highest among the groups gnomAD compares: Middle Eastern, 0.016%; no homozygotes.

Submission:

PreventionGenetics, part of Exact Sciences
Classification: Likely benign for CX3CR1-related condition. Last evaluated: 2019-02-19. Review status: no assertion criteria provided. Collection method: clinical testing. Allele origin: germline.
Comment: This variant is classified as likely benign based on ACMG/AMP sequence variant interpretation guidelines (Richards et al. 2015 PMID: 25741868, with internal and published modifications).

NM_001171174.1(CX3CR1):c.21G>A (p.Ala7=)

Gene: CX3CR1 (C-X3-C motif chemokine receptor 1; minus strand). Cytogenetic location: 3p22.2.
Variant type: single nucleotide variant.
Coding change: c.21G>A on transcript NM_001171174.1; coding-DNA position 21, G replaced by A.
Protein change: p.Ala7=; no amino-acid change (alanine 7 retained).
Molecular consequence: synonymous variant.
Genome position (GRCh38, 1-based): chr3:39,281,675, C>T on the plus strand (G>A on the coding strand, the complement: CX3CR1 is on the minus strand). VCF-style: chr3-39281675-C-T. GRCh37 (hg19) VCF-style: chr3-39323166-C-T.
Identifiers: ClinVar variation 3046700 (VCV003046700.2), dbSNP rs759707908, ClinGen allele CA2327078.